The following is an entry in ClinVar:

NM_000264.5(PTCH1):c.4295T>A (p.Leu1432Gln)

Gene: PTCH1 (patched 1; minus strand). Cytogenetic location: 9q22.32.
Variant type: single nucleotide variant.
Coding change: c.4295T>A on transcript NM_000264.5 (MANE Select); coding-DNA position 4295, T replaced by A.
Protein change: p.Leu1432Gln; replaces leucine 1432 with glutamine.
Molecular consequence: missense variant. On other transcripts: non-coding transcript variant (1).
Genome position (GRCh38, 1-based): chr9:95,446,961, A>T on the plus strand (T>A on the coding strand, the complement: PTCH1 is on the minus strand). VCF-style: chr9-95446961-A-T. GRCh37 (hg19) VCF-style: chr9-98209243-A-T.
Other names: c.4097T>A, p.Leu1366Gln (NM_001083602.3); c.4292T>A, p.Leu1431Gln (NM_001083603.3); c.3842T>A, p.Leu1281Gln (NM_001083604.3, NM_001083605.3, NM_001083606.3 and 1 more transcripts); c.4139T>A, p.Leu1380Gln (NM_001354918.2); short protein forms L1281Q, L1432Q, L1366Q, L1380Q, L1431Q.
Identifiers: ClinVar variation 824762 (VCV000824762.18), dbSNP rs755078405, ClinGen allele CA196557329.

ClinVar aggregate classification (germline): Uncertain significance. Review status: criteria provided, multiple submitters, no conflicts (2 of 4 stars). 2 submissions from 2 submitters: Uncertain significance (2). Last evaluated 2026-09-02.

Conditions:
Hereditary cancer-predisposing syndrome. Also called: Tumor predisposition; Hereditary neoplastic syndrome; Neoplastic Syndromes, Hereditary; Hereditary Cancer Syndrome. Identifiers: Orphanet 140162, MedGen C0027672, MeSH D009386, MONDO:0015356.
Gorlin syndrome. Also called: Basal cell nevus syndrome; Nevoid Basal Cell Carcinoma Syndrome. Identifiers: Orphanet 377, MedGen C0004779, MONDO:0007187.

Allele frequency attached by ClinVar (database versions not stated): gnomAD exomes below 0.00001; TOPMed below 0.00001.
gnomAD v4.1: 1 of 1,614,206 alleles (0.000062%); highest among the groups gnomAD compares: Non-Finnish European, 0.000085%; no homozygotes.

Submissions (2):

Ambry Genetics
Classification: Uncertain significance for Hereditary cancer-predisposing syndrome. Last evaluated: 2026-09-02. Review status: criteria provided, single submitter. Criteria: Ambry Variant Classification Scheme 2023. Collection method: clinical testing. Allele origin: germline.
Comment: The p.L1432Q variant (also known as c.4295T>A), located in coding exon 23 of the PTCH1 gene, results from a T to A substitution at nucleotide position 4295. The leucine at codon 1432 is replaced by glutamine, an amino acid with dissimilar properties. This amino acid position is highly conserved in available vertebrate species. In addition, this alteration is predicted to be deleterious by in silico analysis. Based on the available evidence, the clinical significance of this variant remains unclear.

Labcorp Genetics (formerly Invitae), Labcorp
Classification: Uncertain significance for Gorlin syndrome. Last evaluated: 2025-11-25. Review status: criteria provided, single submitter. Criteria: Invitae Variant Classification Sherloc (09022015). Collection method: clinical testing. Allele origin: germline.
Comment: This sequence change replaces leucine, which is neutral and non-polar, with glutamine, which is neutral and polar, at codon 1432 of the PTCH1 protein (p.Leu1432Gln). This variant is not present in population databases (gnomAD no frequency). This variant has not been reported in the literature in individuals affected with PTCH1-related conditions. ClinVar contains an entry for this variant (Variation ID: 824762). Invitae Evidence Modeling of protein sequence and biophysical properties (such as structural, functional, and spatial information, amino acid conservation, physicochemical variation, residue mobility, and thermodynamic stability) has been performed for this missense variant. However, the output from this modeling did not meet the statistical confidence thresholds required to predict the impact of this variant on PTCH1 protein function. In summary, the available evidence is currently insufficient to determine the role of this variant in disease. Therefore, it has been classified as a Variant of Uncertain Significance.